The following is an entry in ClinVar:

ClinVar aggregate classification (germline): Pathogenic/Likely pathogenic. Review status: criteria provided, multiple submitters, no conflicts (2 of 4 stars). 5 submissions from 5 submitters: Pathogenic (1); Likely pathogenic (4). Last evaluated 2026-03-26.

Conditions:
Hereditary cancer-predisposing syndrome. Also called: Tumor predisposition; Hereditary neoplastic syndrome; Neoplastic Syndromes, Hereditary; Hereditary Cancer Syndrome. Identifiers: Orphanet 140162, MedGen C0027672, MeSH D009386, MONDO:0015356.
Familial multiple polyposis syndrome (FAP). Also called: Familial Adenomatous Polyposis (FAP); Classic familial adenomatous polyposis; Familial adenomatous polyposis; Familial intestinal polyposis; Familial polyposis. Identifiers: Orphanet 733, MedGen C0032580, MONDO:0021055. Disease mechanism: loss of function.
Familial adenomatous polyposis 1 (FAP1). Also called: POLYPOSIS, ADENOMATOUS INTESTINAL; FAMILIAL ADENOMATOUS POLYPOSIS 1, ATTENUATED. Identifiers: MedGen C2713442, MONDO:0021056, OMIM 175100. Disease mechanism: loss of function.

Submissions (5):

Ambry Genetics
Classification: Pathogenic for Hereditary cancer-predisposing syndrome. Last evaluated: 2026-03-26. Review status: criteria provided, single submitter. Criteria: Ambry Variant Classification Scheme 2023. Collection method: clinical testing. Allele origin: germline.
Comment: The c.646-2A>G intronic pathogenic mutation results from an A to G substitution two nucleotides upstream from coding exon 6 in the APC gene. This variant was reported in individuals with features consistent with APC-related familial adenomatous polyposis (Ambry internal data). This alteration was previously identified in a French cohort of patients with FAP (Lagarde A et al. J. Med. Genet. 2010 Oct;47:721-2). This variant is considered to be rare based on population cohorts in the Genome Aggregation Database (gnomAD). Alterations that disrupt the canonical splice site are expected to cause aberrant splicing, resulting in an abnormal protein or a transcript that is subject to nonsense-mediated mRNA decay. In silico splice site analysis predicts that this alteration will weaken the native splice acceptor site and will result in the creation or strengthening of a novel splice acceptor site. RNA studies have demonstrated that this alteration results in abnormal splicing in the set of samples tested (Ambry internal data). As such, this alteration is classified as a disease-causing mutation.

Myriad Genetics, Inc.
Classification: Likely pathogenic for Familial adenomatous polyposis 1. Last evaluated: 2023-04-27. Review status: criteria provided, single submitter. Criteria: Myriad Autosomal Dominant, Autosomal Recessive and X-Linked Classification Criteria (2023). Collection method: clinical testing. Allele origin: unknown.
Comment: This variant is considered likely pathogenic. This variant occurs within a consensus splice junction and is predicted to result in abnormal mRNA splicing of either an out-of-frame exon or an in-frame exon necessary for protein stability and/or normal function.

MGZ Medical Genetics Center
Classification: Likely pathogenic for Familial adenomatous polyposis 1. Last evaluated: 2021-09-07. Review status: criteria provided, single submitter. Criteria: ACMG Guidelines, 2015. Collection method: clinical testing. Allele origin: germline. Affected: yes. Observed: 1 variant allele.
Comment: ACMG criteria applied: PVS1, PM2_SUP

Labcorp Genetics (formerly Invitae), Labcorp
Classification: Likely pathogenic for Familial adenomatous polyposis 1. Last evaluated: 2021-02-06. Review status: criteria provided, single submitter. Criteria: Invitae Variant Classification Sherloc (09022015). Collection method: clinical testing. Allele origin: germline.
Comment: In summary, the currently available evidence indicates that the variant is pathogenic, but additional data are needed to prove that conclusively. Therefore, this variant has been classified as Likely Pathogenic. Algorithms developed to predict the effect of sequence changes on RNA splicing suggest that this variant may disrupt the consensus splice site, but this prediction has not been confirmed by published transcriptional studies. Disruption of this splice site has been observed in individual(s) with clinical features of familial adenomatous polyposis (PMID: 20685668, 12702169). ClinVar contains an entry for this variant (Variation ID: 495370). This variant is not present in population databases (ExAC no frequency). This sequence change affects an acceptor splice site in intron 6 of the APC gene. It is expected to disrupt RNA splicing. Variants that disrupt the donor or acceptor splice site typically lead to a loss of protein function (PMID: 16199547), and loss-of-function variants in APC are known to be pathogenic (PMID: 17963004, 20685668).

Women's Health and Genetics/Laboratory Corporation of America, LabCorp
Classification: Likely pathogenic for Familial multiple polyposis syndrome. Last evaluated: 2016-08-08. Review status: criteria provided, single submitter. Criteria: LabCorp Variant Classification Summary - May 2015. Collection method: clinical testing. Allele origin: germline.
Comment: Variant summary: The APC c.646-2A>G variant involves the alteration of a conserved splice site nucleotide. One in silico tool predicts a damaging outcome for this variant. 5/5 splice prediction tools predict that this variant abolishes a normal splice site. This variant has been reported in at least one FAP patient and one hepatocellular carcinoma sample, and is absent in 112706 control chromosomes. Taken together, this variant is classified as likely pathogenic.

Literature cited by the submitters: PubMed 20685668 (cited by 3 submitters); PubMed 12702169 (cited by Labcorp Genetics (formerly Invitae), Labcorp); PubMed 16199547 (cited by Labcorp Genetics (formerly Invitae), Labcorp); PubMed 17963004 (cited by Labcorp Genetics (formerly Invitae), Labcorp); PubMed 25159915 (cited by Women's Health and Genetics/Laboratory Corporation of America, LabCorp); PubMed 25525159 (cited by Women's Health and Genetics/Laboratory Corporation of America, LabCorp).

NM_000038.6(APC):c.646-2A>G

Gene: APC (APC regulator of Wnt signaling pathway; plus strand). Cytogenetic location: 5q22.2.
Variant type: single nucleotide variant.
Coding change: c.646-2A>G on transcript NM_000038.6 (MANE Select); the canonical splice acceptor site of the intron before coding-DNA position 646, A replaced by G.
Molecular consequence: splice acceptor variant. On other transcripts: intron variant (5).
Genome position (GRCh38, 1-based): chr5:112,792,444, A>G. VCF-style: chr5-112792444-A-G. GRCh37 (hg19) VCF-style: chr5-112128141-A-G.
Other names: c.-390-2A>G (NM_001407470.1, NM_001407472.1, NM_001354906.2 and 1 more transcripts); c.646-2A>G (NM_001407447.1, NM_001354895.2, NM_001407456.1 and 12 more transcripts); c.646-8835A>G (NM_001407452.1, NM_001407469.1, NM_001354899.2 and 1 more transcripts); c.676-2A>G (NM_001407446.1, NM_001354897.2, NM_001354902.2); c.676-8835A>G (NM_001127511.3); c.469-2A>G (NM_001407453.1, NM_001354900.2, NM_001354901.2 and 1 more transcripts); c.571-2A>G (NM_001407451.1, NM_001354898.2, NM_001354904.2).
Identifiers: ClinVar variation 495370 (VCV000495370.16), dbSNP rs777848503, ClinGen allele CA360617504.